The following is an entry in ClinVar:

NM_133433.4(NIPBL):c.5549A>G (p.Tyr1850Cys)

Gene: NIPBL (NIPBL cohesin loading factor; plus strand). Cytogenetic location: 5p13.2.
Variant type: single nucleotide variant.
Coding change: c.5549A>G on transcript NM_133433.4 (MANE Select); coding-DNA position 5549, A replaced by G.
Protein change: p.Tyr1850Cys; replaces tyrosine 1850 with cysteine.
Molecular consequence: missense variant.
Genome position (GRCh38, 1-based): chr5:37,022,365, A>G. VCF-style: chr5-37022365-A-G. GRCh37 (hg19) VCF-style: chr5-37022467-A-G.
Other names: c.5549A>G, p.Tyr1850Cys (NM_015384.5); short protein forms Y1850C.
Identifiers: ClinVar variation 3771661 (VCV003771661.13).
Genomic context (GRCh38, chr5:37,022,365, plus strand): 5'-CAGCAGTAGAATTACTAGGTCGATTTGTCCTTTGTCGACCTCAGCTTGCTGAACAGTATT[A>G]TGATATGCTGATTGAAAGAATATTGGTATGTTTGTCATTTTTATAATGATTCGTGAATAT-3'
Protein context (NP_597677.2, residues 1840-1860): LCRPQLAEQY[Tyr1850Cys]DMLIERILDT

ClinVar aggregate classification (germline): Uncertain significance (1 of 4 stars; one submission).

Submission:

CeGaT Center for Human Genetics Tuebingen
Classification: Uncertain significance. Last evaluated: 2024-12-01. Review status: criteria provided, single submitter. Criteria: CeGaT Center For Human Genetics Tuebingen Variant Classification Criteria Version 2. Collection method: clinical testing. Allele origin: germline. Affected: yes. Observed: 1 variant allele.
Comment: NIPBL: PM2, PP2, PP3